The following is an entry in ClinVar:

ClinVar aggregate classification (germline): Uncertain significance (1 of 4 stars; one submission).

Conditions:
Aortic aneurysm, familial thoracic 8 (AAT8). Identifiers: MedGen C3809513, MONDO:0014187, OMIM 615436.

Allele frequency attached by ClinVar (database versions not stated): gnomAD exomes below 0.00001.
gnomAD v4.1: 1 of 1,612,136 alleles (0.000062%); highest among the groups gnomAD compares: Non-Finnish European, 0.000085%; no homozygotes.

Submission:

Labcorp Genetics (formerly Invitae), Labcorp
Classification: Uncertain significance for Aortic aneurysm, familial thoracic 8. Last evaluated: 2022-12-21. Review status: criteria provided, single submitter. Criteria: Invitae Variant Classification Sherloc (09022015). Collection method: clinical testing. Allele origin: germline.
Comment: In summary, the available evidence is currently insufficient to determine the role of this variant in disease. Therefore, it has been classified as a Variant of Uncertain Significance. Algorithms developed to predict the effect of missense changes on protein structure and function are either unavailable or do not agree on the potential impact of this missense change (SIFT: "Deleterious"; PolyPhen-2: "Possibly Damaging"; Align-GVGD: "Class C0"). This variant has not been reported in the literature in individuals affected with PRKG1-related conditions. This variant is not present in population databases (gnomAD no frequency). This sequence change replaces lysine, which is basic and polar, with glutamine, which is neutral and polar, at codon 548 of the PRKG1 protein (p.Lys548Gln).

NM_006258.4(PRKG1):c.1642A>C (p.Lys548Gln)

Gene: PRKG1 (protein kinase cGMP-dependent 1; plus strand). Cytogenetic location: 10q21.1.
Variant type: single nucleotide variant.
Coding change: c.1642A>C on transcript NM_006258.4 (MANE Select); coding-DNA position 1642, A replaced by C.
Protein change: p.Lys548Gln; replaces lysine 548 with glutamine.
Molecular consequence: missense variant.
Genome position (GRCh38, 1-based): chr10:52,282,249, A>C. VCF-style: chr10-52282249-A-C. GRCh37 (hg19) VCF-style: chr10-54042009-A-C.
Other names: c.1597A>C, p.Lys533Gln (NM_001098512.3); c.433A>C, p.Lys145Gln (NM_001374781.1); short protein forms K533Q, K548Q, K145Q.
Identifiers: ClinVar variation 2814244 (VCV002814244.3), dbSNP rs2492866230, ClinGen allele CA376535943.